The following is an entry in ClinVar:

ClinVar aggregate classification (germline): Uncertain significance (1 of 4 stars; one submission).

Allele frequency attached by ClinVar (database versions not stated): TOPMed below 0.00001; gnomAD 0.00001.
gnomAD v4.1: 4 of 1,613,222 alleles (0.00025%); highest among the groups gnomAD compares: African/African-American, 0.0013%; no homozygotes.

Submission:

Labcorp Genetics (formerly Invitae), Labcorp
Classification: Uncertain significance. Last evaluated: 2022-02-05. Review status: criteria provided, single submitter. Criteria: Invitae Variant Classification Sherloc (09022015). Collection method: clinical testing. Allele origin: germline.
Comment: In summary, the available evidence is currently insufficient to determine the role of this variant in disease. Therefore, it has been classified as a Variant of Uncertain Significance. Algorithms developed to predict the effect of missense changes on protein structure and function (SIFT, PolyPhen-2, Align-GVGD) all suggest that this variant is likely to be tolerated. This variant has not been reported in the literature in individuals affected with C6-related conditions. This variant is not present in population databases (gnomAD no frequency). This sequence change replaces leucine, which is neutral and non-polar, with phenylalanine, which is neutral and non-polar, at codon 884 of the C6 protein (p.Leu884Phe).

NM_000065.5(C6):c.2652G>T (p.Leu884Phe)

Gene: C6 (complement C6; minus strand). Cytogenetic location: 5p13.1.
Variant type: single nucleotide variant.
Coding change: c.2652G>T on transcript NM_000065.5 (MANE Select); coding-DNA position 2652, G replaced by T.
Protein change: p.Leu884Phe; replaces leucine 884 with phenylalanine.
Molecular consequence: missense variant.
Genome position (GRCh38, 1-based): chr5:41,142,978, C>A on the plus strand (G>T on the coding strand, the complement: C6 is on the minus strand). VCF-style: chr5-41142978-C-A. GRCh37 (hg19) VCF-style: chr5-41143080-C-A.
Other names: c.2652G>T, p.Leu884Phe (NM_001115131.4); short protein forms L884F.
Identifiers: ClinVar variation 1522173 (VCV001522173.6), dbSNP rs892712339, ClinGen allele CA359592151.